The following is an entry in ClinVar:

ClinVar aggregate classification (germline): Benign (1 of 4 stars; one submission).

Allele frequency attached by ClinVar (database versions not stated): gnomAD 0.10620 and 0.11142; TOPMed 0.11585; 1000 Genomes Project 30x 0.16958; 1000 Genomes Project 0.17372.
gnomAD v4.1: 16,439 of 147,212 alleles (11%); highest among the groups gnomAD compares: East Asian, 30%; 1,005 homozygotes.

Submission:

GeneDx
Classification: Benign. Last evaluated: 2018-06-19. Review status: criteria provided, single submitter. Criteria: GeneDx Variant Classification (06012015). Collection method: clinical testing. Allele origin: germline. Affected: yes.
Comment: This variant is considered likely benign or benign based on one or more of the following criteria: it is a conservative change, it occurs at a poorly conserved position in the protein, it is predicted to be benign by multiple in silico algorithms, and/or has population frequency not consistent with disease.

NM_001365088.1(SLC12A6):c.3228-198C>T

Gene: SLC12A6 (solute carrier family 12 member 6; minus strand). Cytogenetic location: 15q14.
Variant type: single nucleotide variant.
Coding change: c.3228-198C>T on transcript NM_001365088.1 (MANE Select); 198 bases into the intron before coding-DNA position 3228, C replaced by T.
Molecular consequence: intron variant.
Genome position (GRCh38, 1-based): chr15:34,235,512, G>A on the plus strand (C>T on the coding strand, the complement: SLC12A6 is on the minus strand). VCF-style: chr15-34235512-G-A. GRCh37 (hg19) VCF-style: chr15-34527713-G-A.
Other names: c.3051-198C>T (NM_001042495.2, NM_001042494.2); c.3201-198C>T (NM_001042496.2); c.3183-198C>T (NM_001042497.2); c.3228-198C>T (NM_133647.2); c.3075-198C>T (NM_005135.2).
Identifiers: ClinVar variation 670100 (VCV000670100.1), dbSNP rs111930900, ClinGen allele CA268658395.